The following is an entry in ClinVar:

ClinVar aggregate classification (germline): Uncertain significance (1 of 4 stars; one submission).

Allele frequency attached by ClinVar (database versions not stated): ExAC 0.00002; gnomAD exomes 0.00002; TOPMed 0.00003.
gnomAD v4.1: 18 of 1,614,200 alleles (0.0011%); highest among the groups gnomAD compares: East Asian, 0.018%; no homozygotes.

Submission:

GeneDx
Classification: Uncertain significance. Last evaluated: 2019-07-10. Review status: criteria provided, single submitter. Criteria: GeneDx Variant Classification Process June 2021. Collection method: clinical testing. Allele origin: germline. Affected: yes.
Comment: In silico analysis, which includes protein predictors and evolutionary conservation, supports that this variant does not alter protein structure/function; Has not been previously published as pathogenic or benign to our knowledge

NM_013352.4(DSE):c.193G>A (p.Glu65Lys)

Gene: DSE (dermatan sulfate epimerase; plus strand). Cytogenetic location: 6q22.1.
Variant type: single nucleotide variant.
Coding change: c.193G>A on transcript NM_013352.4 (MANE Select); coding-DNA position 193, G replaced by A.
Protein change: p.Glu65Lys; replaces glutamic acid 65 with lysine.
Molecular consequence: missense variant. On other transcripts: 5 prime UTR variant (4), non-coding transcript variant (1).
Genome position (GRCh38, 1-based): chr6:116,399,443, G>A. VCF-style: chr6-116399443-G-A. GRCh37 (hg19) VCF-style: chr6-116720606-G-A.
Other names: c.193G>A, p.Glu65Lys (NM_001080976.3, NM_001322937.2, NM_001322938.2 and 3 more transcripts); c.250G>A, p.Glu84Lys (NM_001322939.2); c.-365G>A (NM_001322940.2, NM_001322941.2); c.-708G>A (NM_001374520.1); c.-395G>A (NM_001374521.1); short protein forms E65K, E84K.
Identifiers: ClinVar variation 1306886 (VCV001306886.2), dbSNP rs772898380, ClinGen allele CA3969483.